The following is an entry in ClinVar:

NM_000884.3(IMPDH2):c.148G>C (p.Asp50His)

Gene: IMPDH2 (inosine monophosphate dehydrogenase 2; minus strand). Cytogenetic location: 3p21.31.
Variant type: single nucleotide variant.
Coding change: c.148G>C on transcript NM_000884.3 (MANE Select); coding-DNA position 148, G replaced by C.
Protein change: p.Asp50His; replaces aspartic acid 50 with histidine.
Molecular consequence: missense variant.
Genome position (GRCh38, 1-based): chr3:49,028,532, C>G on the plus strand (G>C on the coding strand, the complement: IMPDH2 is on the minus strand). VCF-style: chr3-49028532-C-G. GRCh37 (hg19) VCF-style: chr3-49065965-C-G.
Other names: c.148G>C, p.Asp50His (NM_001410759.1, NM_001410760.1, NM_001410761.1); short protein forms D50H.
Identifiers: ClinVar variation 3898989 (VCV003898989.1).

ClinVar aggregate classification (germline): Uncertain significance (1 of 4 stars; one submission).

Submission:

GeneDx
Classification: Uncertain significance. Last evaluated: 2024-11-06. Review status: criteria provided, single submitter. Criteria: GeneDx Variant Classification Process June 2021. Collection method: clinical testing. Allele origin: germline. Affected: yes.
Comment: Not observed at significant frequency in large population cohorts (gnomAD); In silico analysis supports that this missense variant has a deleterious effect on protein structure/function; Has not been previously published as pathogenic or benign to our knowledge